The following is an entry in ClinVar:

NM_005475.3(SH2B3):c.499G>A (p.Gly167Arg)

Gene: SH2B3 (SH2B adaptor protein 3; plus strand). Cytogenetic location: 12q24.12.
Variant type: single nucleotide variant.
Coding change: c.499G>A on transcript NM_005475.3 (MANE Select); coding-DNA position 499, G replaced by A.
Protein change: p.Gly167Arg; replaces glycine 167 with arginine.
Molecular consequence: missense variant.
Genome position (GRCh38, 1-based): chr12:111,418,644, G>A. VCF-style: chr12-111418644-G-A. GRCh37 (hg19) VCF-style: chr12-111856448-G-A.
Other names: short protein forms G167R.
Identifiers: ClinVar variation 3795150 (VCV003795150.1).
Genomic context (GRCh38, chr12:111,418,644, plus strand): 5'-CGCCGCCGCTCGGCCGGGGAGCTGCCAGCGGCCCACACCGCTGCCGCCCCCGGGACCCCC[G>A]GAGAGGCTGCTGAGACCCCCGCCCGGCCTGGCCTGGCCAAGAAGTTCCTGCCCTGGAGCC-3'
Protein context (NP_005466.1, residues 157-177): AHTAAAPGTP[Gly167Arg]EAAETPARPG

ClinVar aggregate classification (germline): Uncertain significance (1 of 4 stars; one submission).

Conditions:
Inborn genetic diseases. Identifiers: MedGen C0950123, MeSH D030342.

Submission:

Ambry Genetics
Classification: Uncertain significance for Inborn genetic diseases. Last evaluated: 2025-01-30. Review status: criteria provided, single submitter. Criteria: Ambry Variant Classification Scheme 2023. Collection method: clinical testing. Allele origin: germline.
Comment: The p.G167R variant (also known as c.499G>A), located in coding exon 1 of the SH2B3 gene, results from a G to A substitution at nucleotide position 499. The glycine at codon 167 is replaced by arginine, an amino acid with dissimilar properties. This amino acid position is conserved. In addition, this alteration is predicted to be tolerated by in silico analysis. Based on the available evidence, the clinical significance of this variant remains unclear.